The following is an entry in ClinVar:

NM_000138.5(FBN1):c.3661T>A (p.Cys1221Ser)

Gene: FBN1 (fibrillin 1; minus strand). Cytogenetic location: 15q21.1.
Variant type: single nucleotide variant.
Coding change: c.3661T>A on transcript NM_000138.5 (MANE Select); coding-DNA position 3661, T replaced by A.
Protein change: p.Cys1221Ser; replaces cysteine 1221 with serine.
Molecular consequence: missense variant.
Genome position (GRCh38, 1-based): chr15:48,485,425, A>T on the plus strand (T>A on the coding strand, the complement: FBN1 is on the minus strand). VCF-style: chr15-48485425-A-T. GRCh37 (hg19) VCF-style: chr15-48777622-A-T.
Other names: short protein forms C1221S.
Identifiers: ClinVar variation 1472021 (VCV001472021.8), dbSNP rs2141291310, ClinGen allele CA392324431.

ClinVar aggregate classification (germline): Pathogenic (1 of 4 stars; one submission).

Conditions:
Marfan syndrome (MFS). Also called: MARFAN SYNDROME, TYPE I; Marfan syndrome type 1; Marfan's syndrome; Marfan syndrome, classic; FBN1-Related Marfan Syndrome. Identifiers: Orphanet 284963, Orphanet 558, MedGen C0024796, MONDO:0007947, OMIM 154700.
Familial thoracic aortic aneurysm and aortic dissection (TAAD). Also called: Thoracic aortic aneurysms and dissections. Identifiers: Orphanet 91387, MedGen C4707243, MONDO:0019625.

Submission:

Labcorp Genetics (formerly Invitae), Labcorp
Classification: Pathogenic for Marfan syndrome; Familial thoracic aortic aneurysm and aortic dissection. Last evaluated: 2024-08-22. Review status: criteria provided, single submitter. Criteria: Invitae Variant Classification Sherloc (09022015). Collection method: clinical testing. Allele origin: germline.
Comment: This sequence change replaces cysteine, which is neutral and slightly polar, with serine, which is neutral and polar, at codon 1221 of the FBN1 protein (p.Cys1221Ser). This variant is not present in population databases (gnomAD no frequency). This missense change has been observed in individual(s) with clinical features of FBN1-related conditions (internal data). In at least one individual the variant was observed to be de novo. ClinVar contains an entry for this variant (Variation ID: 1472021). Invitae Evidence Modeling of protein sequence and biophysical properties (such as structural, functional, and spatial information, amino acid conservation, physicochemical variation, residue mobility, and thermodynamic stability) indicates that this missense variant is expected to disrupt FBN1 protein function with a positive predictive value of 95%. This variant affects a cysteine residue in the EGF-like, TGFBP or hybrid motif domains of FBN1. Cysteine residues are believed to be involved in intramolecular disulfide bridges and have been shown to be important for FBN1 protein structure (PMID: 16905551, 19349279). In addition, missense substitutions affecting cysteine residues within these domains are significantly overrepresented among patients with Marfan syndrome (PMID: 16571647, 17701892). This variant disrupts the p.Cys1221 amino acid residue in FBN1. Other variant(s) that disrupt this residue have been observed in individuals with FBN1-related conditions (PMID: 31061752), which suggests that this may be a clinically significant amino acid residue. For these reasons, this variant has been classified as Pathogenic.

Literature cited by the submitters: PubMed 16905551; PubMed 19349279; PubMed 16571647; PubMed 17701892; PubMed 31061752.